The following is an entry in ClinVar:

NM_182914.3(SYNE2):c.16195G>A (p.Ala5399Thr)

Gene: SYNE2 (spectrin repeat containing nuclear envelope protein 2; plus strand). Cytogenetic location: 14q23.2.
Variant type: single nucleotide variant.
Coding change: c.16195G>A on transcript NM_182914.3 (MANE Select); coding-DNA position 16195, G replaced by A.
Protein change: p.Ala5399Thr; replaces alanine 5399 with threonine.
Molecular consequence: missense variant.
Genome position (GRCh38, 1-based): chr14:64,162,172, G>A. VCF-style: chr14-64162172-G-A. GRCh37 (hg19) VCF-style: chr14-64628890-G-A.
Other names: c.16195G>A, p.Ala5399Thr (NM_015180.6); short protein forms A5399T.
Identifiers: ClinVar variation 198975 (VCV000198975.17), dbSNP rs140265039, ClinGen allele CA247917.

ClinVar aggregate classification (germline): Conflicting classifications of pathogenicity. Review status: criteria provided, conflicting classifications (1 of 4 stars). 4 submissions from 4 submitters: Uncertain significance (2); Likely benign (2). Last evaluated 2026-01-22.

Conditions:
SYNE2-related disorder. Also called: SYNE2-related condition.
Emery-Dreifuss muscular dystrophy 5, autosomal dominant (EDMD5). Also called: EMERY-DREIFUSS MUSCULAR DYSTROPHY 5. Identifiers: Orphanet 261, MedGen C2751805, MONDO:0013072, OMIM 612999.

Allele frequency attached by ClinVar (database versions not stated): ExAC 0.00032; ESP Exome Variant Server 0.00085; gnomAD 0.00089 and 0.00096; TOPMed 0.00099; 1000 Genomes Project 0.00120; 1000 Genomes Project 30x 0.00172.
gnomAD v4.1: 318 of 1,614,220 alleles (0.02%); highest among the groups gnomAD compares: African/African-American, 0.31%; 1 homozygote.

Submissions (4):

Labcorp Genetics (formerly Invitae), Labcorp
Classification: Likely benign for Emery-Dreifuss muscular dystrophy 5, autosomal dominant. Last evaluated: 2026-01-22. Review status: criteria provided, single submitter. Criteria: Invitae Variant Classification Sherloc (09022015). Collection method: clinical testing. Allele origin: germline.

PreventionGenetics, part of Exact Sciences
Classification: Likely benign for SYNE2-related condition. Last evaluated: 2025-12-30. Review status: criteria provided, single submitter. Criteria: ACMG Guidelines, 2015. Collection method: clinical testing. Allele origin: germline.
Comment: This variant is classified as likely benign based on ACMG/AMP sequence variant interpretation guidelines (Richards et al. 2015 PMID: 25741868, with internal and published modifications).

Ambry Genetics
Classification: Uncertain significance. Last evaluated: 2025-08-03. Review status: criteria provided, single submitter. Criteria: Ambry Variant Classification Scheme 2023. Collection method: clinical testing. Allele origin: germline.

Eurofins Ntd Llc (ga)
Classification: Uncertain significance. Last evaluated: 2014-11-23. Review status: criteria provided, single submitter. Criteria: EGL Classification Definitions 2015. Collection method: clinical testing. Allele origin: germline. Observed: 2 variant alleles, 2 heterozygotes.